The following is an entry in ClinVar:

ClinVar aggregate classification (germline): Uncertain significance. Review status: criteria provided, multiple submitters, no conflicts (2 of 4 stars). 2 submissions from 2 submitters: Uncertain significance (2). Last evaluated 2025-08-09.

Conditions:
Inborn genetic diseases. Identifiers: MedGen C0950123, MeSH D030342.

Allele frequency attached by ClinVar (database versions not stated): gnomAD exomes below 0.00001 and 0.00001; ExAC 0.00001; gnomAD 0.00001; TOPMed 0.00002; ESP Exome Variant Server 0.00015.
gnomAD v4.1: 4 of 1,614,096 alleles (0.00025%); highest among the groups gnomAD compares: Non-Finnish European, 0.00034%; no homozygotes.

Submissions (2):

Ambry Genetics
Classification: Uncertain significance for Inborn genetic diseases. Last evaluated: 2025-08-09. Review status: criteria provided, single submitter. Criteria: Ambry Variant Classification Scheme 2023. Collection method: clinical testing. Allele origin: germline.

Labcorp Genetics (formerly Invitae), Labcorp
Classification: Uncertain significance. Last evaluated: 2022-10-18. Review status: criteria provided, single submitter. Criteria: Invitae Variant Classification Sherloc (09022015). Collection method: clinical testing. Allele origin: germline.
Comment: This sequence change replaces aspartic acid, which is acidic and polar, with tyrosine, which is neutral and polar, at codon 126 of the DNASE1L3 protein (p.Asp126Tyr). This variant is present in population databases (rs369165467, gnomAD 0.002%). This variant has not been reported in the literature in individuals affected with DNASE1L3-related conditions. ClinVar contains an entry for this variant (Variation ID: 1482954). Algorithms developed to predict the effect of missense changes on protein structure and function (SIFT, PolyPhen-2, Align-GVGD) all suggest that this variant is likely to be disruptive. In summary, the available evidence is currently insufficient to determine the role of this variant in disease. Therefore, it has been classified as a Variant of Uncertain Significance.

NM_004944.4(DNASE1L3):c.376G>T (p.Asp126Tyr)

Gene: DNASE1L3 (deoxyribonuclease 1L3; minus strand). Cytogenetic location: 3p14.3.
Variant type: single nucleotide variant.
Coding change: c.376G>T on transcript NM_004944.4 (MANE Select); coding-DNA position 376, G replaced by T.
Protein change: p.Asp126Tyr; replaces aspartic acid 126 with tyrosine.
Molecular consequence: missense variant.
Genome position (GRCh38, 1-based): chr3:58,204,826, C>A on the plus strand (G>T on the coding strand, the complement: DNASE1L3 is on the minus strand). VCF-style: chr3-58204826-C-A. GRCh37 (hg19) VCF-style: chr3-58190553-C-A.
Other names: c.286G>T, p.Asp96Tyr (NM_001256560.2); c.376G>T (NM_004944.2); short protein forms D126Y, D96Y.
Identifiers: ClinVar variation 1482954 (VCV001482954.4), dbSNP rs369165467, ClinGen allele CA2470026.